The following is an entry in ClinVar:

ClinVar aggregate classification (germline): Uncertain significance. Review status: criteria provided, multiple submitters, no conflicts (2 of 4 stars). 3 submissions from 3 submitters: Uncertain significance (3). Last evaluated 2025-08-11.

Conditions:
Cardiovascular phenotype. Identifiers: MedGen CN230736.
Familial hypobetalipoproteinemia 1. Also called: APOB-Related Familial Hypobetalipoproteinemia; Hypobetalipoproteinemia, normotriglyceridemic; Acanthocytosis with hypobetalipoproteinemia. Identifiers: MedGen C4551990, MONDO:0014252, OMIM 615558.
Hypercholesterolemia, autosomal dominant, type B (FHCL2). Also called: Familial Hypercholesterolemia Type B; APOLIPOPROTEIN B-100, FAMILIAL DEFECTIVE; APOLIPOPROTEIN B-100, FAMILIAL LIGAND-DEFECTIVE; HYPERCHOLESTEROLEMIA, FAMILIAL, DUE TO LIGAND-DEFECTIVE APOLIPOPROTEIN B; Hyperlipoproteinemia Type IIb; Familial hypercholesterolemia 2. Identifiers: MedGen C1704417, MONDO:0007751, OMIM 144010.

Allele frequency attached by ClinVar (database versions not stated): TOPMed below 0.00001; gnomAD exomes 0.00002.
gnomAD v4.1: 28 of 1,614,122 alleles (0.0017%); highest among the groups gnomAD compares: Non-Finnish European, 0.0022%; no homozygotes.

Submissions (3):

Labcorp Genetics (formerly Invitae), Labcorp
Classification: Uncertain significance for Familial hypobetalipoproteinemia 1; Hypercholesterolemia, autosomal dominant, type B. Last evaluated: 2025-08-11. Review status: criteria provided, single submitter. Criteria: Invitae Variant Classification Sherloc (09022015). Collection method: clinical testing. Allele origin: germline.
Comment: This sequence change replaces asparagine, which is neutral and polar, with aspartic acid, which is acidic and polar, at codon 1988 of the APOB protein (p.Asn1988Asp). This variant is not present in population databases (gnomAD no frequency). This variant has not been reported in the literature in individuals affected with APOB-related conditions. ClinVar contains an entry for this variant (Variation ID: 2937521). Invitae Evidence Modeling of protein sequence and biophysical properties (such as structural, functional, and spatial information, amino acid conservation, physicochemical variation, residue mobility, and thermodynamic stability) indicates that this missense variant is not expected to disrupt APOB protein function with a negative predictive value of 95%. In summary, the available evidence is currently insufficient to determine the role of this variant in disease. Therefore, it has been classified as a Variant of Uncertain Significance.

GeneDx
Classification: Uncertain significance. Last evaluated: 2025-01-15. Review status: criteria provided, single submitter. Criteria: GeneDx Variant Classification Process June 2021. Collection method: clinical testing. Allele origin: germline. Affected: yes.
Comment: Not observed at significant frequency in large population cohorts (gnomAD); In silico analysis supports that this missense variant has a deleterious effect on protein structure/function; Has not been previously published as pathogenic or benign to our knowledge

Ambry Genetics
Classification: Uncertain significance for Cardiovascular phenotype. Last evaluated: 2024-11-05. Review status: criteria provided, single submitter. Criteria: Ambry Variant Classification Scheme 2023. Collection method: clinical testing. Allele origin: germline.
Comment: The p.N1988D variant (also known as c.5962A>G), located in coding exon 26 of the APOB gene, results from an A to G substitution at nucleotide position 5962. The asparagine at codon 1988 is replaced by aspartic acid, an amino acid with highly similar properties. This amino acid position is conserved. In addition, this alteration is predicted to be tolerated by in silico analysis. Based on the available evidence, the clinical significance of this variant remains unclear.

NM_000384.3(APOB):c.5962A>G (p.Asn1988Asp)

Gene: APOB (apolipoprotein B; minus strand). Cytogenetic location: 2p24.1.
Variant type: single nucleotide variant.
Coding change: c.5962A>G on transcript NM_000384.3 (MANE Select); coding-DNA position 5962, A replaced by G.
Protein change: p.Asn1988Asp; replaces asparagine 1988 with aspartic acid.
Molecular consequence: missense variant.
Genome position (GRCh38, 1-based): chr2:21,010,906, T>C on the plus strand (A>G on the coding strand, the complement: APOB is on the minus strand). VCF-style: chr2-21010906-T-C. GRCh37 (hg19) VCF-style: chr2-21233778-T-C.
Other names: c.5962A>G (NM_000384.2); short protein forms N1988D.
Identifiers: ClinVar variation 2937521 (VCV002937521.5), dbSNP rs991387853, ClinGen allele CA43506035.